The following is an entry in ClinVar:

NM_015178.3(RHOBTB2):c.1343T>C (p.Ile448Thr)

Gene: RHOBTB2 (Rho related BTB domain containing 2; plus strand). Cytogenetic location: 8p21.3.
Variant type: single nucleotide variant.
Coding change: c.1343T>C on transcript NM_015178.3 (MANE Select); coding-DNA position 1343, T replaced by C.
Protein change: p.Ile448Thr; replaces isoleucine 448 with threonine.
Molecular consequence: missense variant.
Genome position (GRCh38, 1-based): chr8:23,007,588, T>C. VCF-style: chr8-23007588-T-C. GRCh37 (hg19) VCF-style: chr8-22865101-T-C.
Other names: c.1364T>C, p.Ile455Thr (NM_001160037.2); c.1343T>C, p.Ile448Thr (NM_001374791.1); c.1409T>C, p.Ile470Thr (NM_001160036.2); short protein forms I470T, I455T, I448T.
Identifiers: ClinVar variation 2974626 (VCV002974626.3), dbSNP rs1300750276, ClinGen allele CA370568539.

ClinVar aggregate classification (germline): Uncertain significance (1 of 4 stars; one submission).

Allele frequency attached by ClinVar (database versions not stated): gnomAD exomes below 0.00001; gnomAD 0.00002; TOPMed 0.00001.
gnomAD v4.1: 4 of 1,614,100 alleles (0.00025%); highest among the groups gnomAD compares: African/African-American, 0.0053%; no homozygotes.

Submission:

Labcorp Genetics (formerly Invitae), Labcorp
Classification: Uncertain significance. Last evaluated: 2025-03-29. Review status: criteria provided, single submitter. Criteria: Invitae Variant Classification Sherloc (09022015). Collection method: clinical testing. Allele origin: germline.
Comment: This sequence change replaces isoleucine, which is neutral and non-polar, with threonine, which is neutral and polar, at codon 470 of the RHOBTB2 protein (p.Ile470Thr). This variant is present in population databases (no rsID available, gnomAD 0.008%). This variant has not been reported in the literature in individuals affected with RHOBTB2-related conditions. ClinVar contains an entry for this variant (Variation ID: 2974626). Invitae Evidence Modeling of protein sequence and biophysical properties (such as structural, functional, and spatial information, amino acid conservation, physicochemical variation, residue mobility, and thermodynamic stability) indicates that this missense variant is not expected to disrupt RHOBTB2 protein function with a negative predictive value of 80%. In summary, the available evidence is currently insufficient to determine the role of this variant in disease. Therefore, it has been classified as a Variant of Uncertain Significance.